The following is an entry in ClinVar:

ClinVar aggregate classification (germline): Pathogenic (1 of 4 stars; one submission).

Submission:

Labcorp Genetics (formerly Invitae), Labcorp
Classification: Pathogenic. Last evaluated: 2024-08-02. Review status: criteria provided, single submitter. Criteria: Invitae Variant Classification Sherloc (09022015). Collection method: clinical testing. Allele origin: germline.
Comment: This sequence change replaces alanine, which is neutral and non-polar, with proline, which is neutral and non-polar, at codon 413 of the PHEX protein (p.Ala413Pro). This variant is not present in population databases (gnomAD no frequency). This missense change has been observed in individual(s) with hypophosphatemia (Invitae). It has also been observed to segregate with disease in related individuals. ClinVar contains an entry for this variant (Variation ID: 848133). Advanced modeling of protein sequence and biophysical properties (such as structural, functional, and spatial information, amino acid conservation, physicochemical variation, residue mobility, and thermodynamic stability) performed at Invitae indicates that this missense variant is expected to disrupt PHEX protein function with a positive predictive value of 80%. For these reasons, this variant has been classified as Pathogenic.

NM_000444.6(PHEX):c.1237G>C (p.Ala413Pro)

Gene: PHEX (phosphate regulating endopeptidase X-linked; plus strand). Cytogenetic location: Xp22.11.
Variant type: single nucleotide variant.
Coding change: c.1237G>C on transcript NM_000444.6 (MANE Select); coding-DNA position 1237, G replaced by C.
Protein change: p.Ala413Pro; replaces alanine 413 with proline.
Molecular consequence: missense variant.
Genome position (GRCh38, 1-based): chrX:22,114,521, G>C. VCF-style: chrX-22114521-G-C. GRCh37 (hg19) VCF-style: chrX-22132639-G-C.
Other names: c.1237G>C, p.Ala413Pro (NM_001282754.2); short protein forms A413P.
Identifiers: ClinVar variation 848133 (VCV000848133.9), dbSNP rs1931147505, ClinGen allele CA412573476.